The following is an entry in ClinVar:

ClinVar aggregate classification (germline): Uncertain significance (1 of 4 stars; one submission).

Submission:

GeneDx
Classification: Uncertain significance. Last evaluated: 2025-01-31. Review status: criteria provided, single submitter. Criteria: GeneDx Variant Classification Process June 2021. Collection method: clinical testing. Allele origin: germline. Affected: yes.
Comment: Not observed at significant frequency in large population cohorts (gnomAD); In silico analysis indicates that this missense variant does not alter protein structure/function; Has not been previously published as pathogenic or benign to our knowledge

NM_001394998.1(TANC2):c.4694C>G (p.Thr1565Ser)

Gene: TANC2 (tetratricopeptide repeat, ankyrin repeat and coiled-coil containing 2; plus strand). Cytogenetic location: 17q23.3.
Variant type: single nucleotide variant.
Coding change: c.4694C>G on transcript NM_001394998.1 (MANE Select); coding-DNA position 4694, C replaced by G.
Protein change: p.Thr1565Ser; replaces threonine 1565 with serine.
Molecular consequence: missense variant.
Genome position (GRCh38, 1-based): chr17:63,420,424, C>G. VCF-style: chr17-63420424-C-G. GRCh37 (hg19) VCF-style: chr17-61497785-C-G.
Other names: c.4472C>G, p.Thr1491Ser (NM_001411076.1); c.4442C>G, p.Thr1481Ser (NM_025185.4); short protein forms T1481S, T1491S, T1565S.
Identifiers: ClinVar variation 4072775 (VCV004072775.1).